The following is an entry in ClinVar:

NM_006509.4(RELB):c.955G>A (p.Glu319Lys)

Gene: RELB (RELB proto-oncogene, NF-kB subunit; plus strand). Cytogenetic location: 19q13.32.
Variant type: single nucleotide variant.
Coding change: c.955G>A on transcript NM_006509.4 (MANE Select); coding-DNA position 955, G replaced by A.
Protein change: p.Glu319Lys; replaces glutamic acid 319 with lysine.
Molecular consequence: missense variant.
Genome position (GRCh38, 1-based): chr19:45,028,956, G>A. VCF-style: chr19-45028956-G-A. GRCh37 (hg19) VCF-style: chr19-45532214-G-A.
Other names: c.946G>A, p.Glu316Lys (NM_001411087.1); c.955G>A (NM_006509.3); short protein forms E316K, E319K.
Identifiers: ClinVar variation 2145576 (VCV002145576.6), dbSNP rs746883852, ClinGen allele CA9507702.

ClinVar aggregate classification (germline): Uncertain significance. Review status: criteria provided, multiple submitters, no conflicts (2 of 4 stars). 3 submissions from 3 submitters: Uncertain significance (3). Last evaluated 2025-11-20.

Conditions:
Immunodeficiency 53. Identifiers: Orphanet 688594, MedGen C4539811, MONDO:0054696, OMIM 617585.

Allele frequency attached by ClinVar (database versions not stated): gnomAD exomes 0.00001; ExAC 0.00002; TOPMed 0.00003; gnomAD 0.00005.
gnomAD v4.1: 17 of 1,595,218 alleles (0.0011%); highest among the groups gnomAD compares: African/African-American, 0.0081%; no homozygotes.

Submissions (3):

Ambry Genetics
Classification: Uncertain significance. Last evaluated: 2025-11-20. Review status: criteria provided, single submitter. Criteria: Ambry Variant Classification Scheme 2023. Collection method: clinical testing. Allele origin: germline.

Fulgent Genetics
Classification: Uncertain significance for Immunodeficiency 53. Last evaluated: 2024-03-28. Review status: criteria provided, single submitter. Criteria: ACMG Guidelines, 2015. Collection method: clinical testing. Allele origin: germline.

Labcorp Genetics (formerly Invitae), Labcorp
Classification: Uncertain significance. Last evaluated: 2024-02-20. Review status: criteria provided, single submitter. Criteria: Invitae Variant Classification Sherloc (09022015). Collection method: clinical testing. Allele origin: germline.
Comment: This sequence change replaces glutamic acid, which is acidic and polar, with lysine, which is basic and polar, at codon 319 of the RELB protein (p.Glu319Lys). The frequency data for this variant in the population databases is considered unreliable, as metrics indicate poor data quality at this position in the gnomAD database. This variant has not been reported in the literature in individuals affected with RELB-related conditions. ClinVar contains an entry for this variant (Variation ID: 2145576). An algorithm developed to predict the effect of missense changes on protein structure and function (PolyPhen-2) suggests that this variant is likely to be disruptive. In summary, the available evidence is currently insufficient to determine the role of this variant in disease. Therefore, it has been classified as a Variant of Uncertain Significance.